The following is an entry in ClinVar:

NM_024685.4(BBS10):c.1717A>G (p.Met573Val)

Gene: BBS10 (Bardet-Biedl syndrome 10; minus strand). Cytogenetic location: 12q21.2.
Variant type: single nucleotide variant.
Coding change: c.1717A>G on transcript NM_024685.4 (MANE Select); coding-DNA position 1717, A replaced by G.
Protein change: p.Met573Val; replaces methionine 573 with valine.
Molecular consequence: missense variant.
Genome position (GRCh38, 1-based): chr12:76,346,268, T>C on the plus strand (A>G on the coding strand, the complement: BBS10 is on the minus strand). VCF-style: chr12-76346268-T-C. GRCh37 (hg19) VCF-style: chr12-76740048-T-C.
Other names: short protein forms M573V.
Identifiers: ClinVar variation 3351208 (VCV003351208.2).

ClinVar aggregate classification (germline): Uncertain significance. Review status: criteria provided, single submitter (1 of 4 stars). 2 submissions from 2 submitters: Uncertain significance (1). 1 of the submissions does not count toward it. Last evaluated 2024-07-27.

Conditions:
BBS10-related disorder. Also called: BBS10-related condition.
Inborn genetic diseases. Identifiers: MedGen C0950123, MeSH D030342.

Submissions (2):

Ambry Genetics
Classification: Uncertain significance for Inborn genetic diseases. Last evaluated: 2024-07-27. Review status: criteria provided, single submitter. Criteria: Ambry Variant Classification Scheme 2023. Collection method: clinical testing. Allele origin: germline.

PreventionGenetics, part of Exact Sciences
Classification: Uncertain significance for BBS10-related condition. Last evaluated: 2024-06-14. Review status: no assertion criteria provided. Collection method: clinical testing. Allele origin: germline. Not counted in ClinVar's aggregate classification.
Comment: The BBS10 c.1717A>G variant is predicted to result in the amino acid substitution p.Met573Val. To our knowledge, this variant has not been reported in the literature or in a large population database, indicating this variant is rare. At this time, the clinical significance of this variant is uncertain due to the absence of conclusive functional and genetic evidence.